The following is an entry in ClinVar:

NM_002184.4(IL6ST):c.2644G>C (p.Glu882Gln)

Gene: IL6ST (interleukin 6 cytokine family signal transducer; minus strand). Cytogenetic location: 5q11.2.
Variant type: single nucleotide variant.
Coding change: c.2644G>C on transcript NM_002184.4 (MANE Select); coding-DNA position 2644, G replaced by C.
Protein change: p.Glu882Gln; replaces glutamic acid 882 with glutamine.
Molecular consequence: missense variant. On other transcripts: 3 prime UTR variant (1), non-coding transcript variant (2).
Genome position (GRCh38, 1-based): chr5:55,941,195, C>G on the plus strand (G>C on the coding strand, the complement: IL6ST is on the minus strand). VCF-style: chr5-55941195-C-G. GRCh37 (hg19) VCF-style: chr5-55237023-C-G.
Other names: c.2461G>C, p.Glu821Gln (NM_001190981.2); c.2542G>C, p.Glu848Gln (NM_001364275.2); c.2434G>C, p.Glu812Gln (NM_001364276.2); c.1777G>C, p.Glu593Gln (NM_001364277.2); c.1741G>C, p.Glu581Gln (NM_001364278.2); c.1648G>C, p.Glu550Gln (NM_001364279.2); c.*1571G>C (NM_175767.3); short protein forms E882Q, E593Q, E821Q, E550Q, E581Q, E812Q, E848Q.
Identifiers: ClinVar variation 2769998 (VCV002769998.3), dbSNP rs2111579574, ClinGen allele CA359777633.
Genomic context (GRCh38, chr5:55,941,195, plus strand): 5'-GCATGCCTTCATCAGTCGCAGCCTCCATGCCAACTGTTTCAAATCTTTCTACTTGTCCCT[C>G]AGTACCTGGACCAAAAGCATCTGCTGCAGAAACTTCCTGAAACATTTTCATTTGCCCAGA-3'
Protein context (NP_002175.2, residues 872-892): SAADAFGPGT[Glu882Gln]GQVERFETVG

ClinVar aggregate classification (germline): Uncertain significance (1 of 4 stars; one submission).

Allele frequency attached by ClinVar (database versions not stated): gnomAD exomes below 0.00001.
gnomAD v4.1: 1 of 1,614,154 alleles (0.000062%); highest among the groups gnomAD compares: Non-Finnish European, 0.000085%; no homozygotes.

Submission:

Labcorp Genetics (formerly Invitae), Labcorp
Classification: Uncertain significance. Last evaluated: 2023-10-18. Review status: criteria provided, single submitter. Criteria: Invitae Variant Classification Sherloc (09022015). Collection method: clinical testing. Allele origin: germline.
Comment: This sequence change replaces glutamic acid, which is acidic and polar, with glutamine, which is neutral and polar, at codon 882 of the IL6ST protein (p.Glu882Gln). This variant is not present in population databases (gnomAD no frequency). This variant has not been reported in the literature in individuals affected with IL6ST-related conditions. Algorithms developed to predict the effect of missense changes on protein structure and function output the following: SIFT: "Not Available"; PolyPhen-2: "Benign"; Align-GVGD: "Not Available". The glutamine amino acid residue is found in multiple mammalian species, which suggests that this missense change does not adversely affect protein function. In summary, the available evidence is currently insufficient to determine the role of this variant in disease. Therefore, it has been classified as a Variant of Uncertain Significance.